The following is an entry in ClinVar:

ClinVar aggregate classification (germline): Uncertain significance (1 of 4 stars; one submission).

Submission:

Labcorp Genetics (formerly Invitae), Labcorp
Classification: Uncertain significance. Last evaluated: 2022-03-16. Review status: criteria provided, single submitter. Criteria: Invitae Variant Classification Sherloc (09022015). Collection method: clinical testing. Allele origin: germline.
Comment: This variant is not present in population databases (gnomAD no frequency). This sequence change replaces alanine, which is neutral and non-polar, with proline, which is neutral and non-polar, at codon 10 of the EPHB4 protein (p.Ala10Pro). This variant has not been reported in the literature in individuals affected with EPHB4-related conditions. In summary, the available evidence is currently insufficient to determine the role of this variant in disease. Therefore, it has been classified as a Variant of Uncertain Significance. Algorithms developed to predict the effect of missense changes on protein structure and function are either unavailable or do not agree on the potential impact of this missense change (SIFT: "Tolerated"; PolyPhen-2: "Possibly Damaging"; Align-GVGD: "Class C0").

NM_004444.5(EPHB4):c.28G>C (p.Ala10Pro)

Genes: SLC12A9 (solute carrier family 12 member 9; plus strand), EPHB4 (EPH receptor B4; minus strand). Cytogenetic location: 7q22.1.
Variant type: single nucleotide variant.
Coding change: c.28G>C on transcript NM_004444.5 (MANE Select); coding-DNA position 28, G replaced by C.
Protein change: p.Ala10Pro; replaces alanine 10 with proline.
Molecular consequence: missense variant. On other transcripts: 5 prime UTR variant (1).
Genome position (GRCh38, 1-based): chr7:100,827,003, C>G on the plus strand (G>C on the coding strand, the complement: EPHB4 is on the minus strand). VCF-style: chr7-100827003-C-G. GRCh37 (hg19) VCF-style: chr7-100424625-C-G.
Other names: c.-26C>G (NM_001363494.1); short protein forms A10P.
Identifiers: ClinVar variation 2112955 (VCV002112955.4), dbSNP rs373130748, ClinGen allele CA368585832.